The following is an entry in ClinVar:

NM_022893.4(BCL11A):c.951G>C (p.Arg317Ser)

Gene: BCL11A (BCL11 transcription factor A; minus strand). Cytogenetic location: 2p16.1.
Variant type: single nucleotide variant.
Coding change: c.951G>C on transcript NM_022893.4 (MANE Select); coding-DNA position 951, G replaced by C.
Protein change: p.Arg317Ser; replaces arginine 317 with serine.
Molecular consequence: missense variant. On other transcripts: intron variant (9).
Genome position (GRCh38, 1-based): chr2:60,461,961, C>G on the plus strand (G>C on the coding strand, the complement: BCL11A is on the minus strand). VCF-style: chr2-60461961-C-G. GRCh37 (hg19) VCF-style: chr2-60689096-C-G.
Other names: c.849G>C, p.Arg283Ser (NM_001363864.1, NM_001365609.1, NM_001405711.1 and 2 more transcripts); c.951G>C, p.Arg317Ser (NM_001405708.1, NM_001405709.1, NM_001405710.1 and 1 more transcripts); c.795G>C, p.Arg265Ser (NM_001405713.1, NM_001405714.1, NM_001405715.1 and 3 more transcripts); c.693G>C, p.Arg231Ser (NM_001405717.1, NM_001405718.1, NM_001405724.1); c.618G>C, p.Arg206Ser (NM_001405720.1, NM_001405721.1); c.495G>C, p.Arg165Ser (NM_001405725.1, NM_001405726.1, NM_001405727.1 and 1 more transcripts); c.630+321G>C (NM_138559.2, NM_001405732.1); c.528+321G>C (NM_001405733.1); and 5 more; short protein forms R165S, R206S, R231S, R265S, R283S, R317S.
Identifiers: ClinVar variation 3360204 (VCV003360204.1).

ClinVar aggregate classification (germline): Uncertain significance (1 of 4 stars; one submission).

Submission:

GeneDx
Classification: Uncertain significance. Last evaluated: 2023-06-21. Review status: criteria provided, single submitter. Criteria: GeneDx Variant Classification Process June 2021. Collection method: clinical testing. Allele origin: germline. Affected: yes.
Comment: Not observed at significant frequency in large population cohorts (gnomAD); In silico analysis supports that this missense variant has a deleterious effect on protein structure/function; Has not been previously published as pathogenic or benign to our knowledge